The following is an entry in ClinVar:

ClinVar aggregate classification (germline): Uncertain significance (1 of 4 stars; one submission).

Allele frequency attached by ClinVar (database versions not stated): ExAC 0.00001; ESP Exome Variant Server 0.00009.

Submission:

Labcorp Genetics (formerly Invitae), Labcorp
Classification: Uncertain significance. Last evaluated: 2023-01-31. Review status: criteria provided, single submitter. Criteria: Invitae Variant Classification Sherloc (09022015). Collection method: clinical testing. Allele origin: germline.
Comment: In summary, the available evidence is currently insufficient to determine the role of this variant in disease. Therefore, it has been classified as a Variant of Uncertain Significance. Algorithms developed to predict the effect of missense changes on protein structure and function (SIFT, PolyPhen-2, Align-GVGD) all suggest that this variant is likely to be tolerated. This variant has not been reported in the literature in individuals affected with ANKRD26-related conditions. This variant is present in population databases (rs377233168, gnomAD 0.0009%). This sequence change replaces glutamic acid, which is acidic and polar, with valine, which is neutral and non-polar, at codon 527 of the ANKRD26 protein (p.Glu527Val).

NM_014915.3(ANKRD26):c.1580A>T (p.Glu527Val)

Gene: ANKRD26 (ankyrin repeat domain 26; minus strand). Cytogenetic location: 10p12.1.
Variant type: single nucleotide variant.
Coding change: c.1580A>T on transcript NM_014915.3 (MANE Select); coding-DNA position 1580, A replaced by T.
Protein change: p.Glu527Val; replaces glutamic acid 527 with valine.
Molecular consequence: missense variant.
Genome position (GRCh38, 1-based): chr10:27,053,375, T>A on the plus strand (A>T on the coding strand, the complement: ANKRD26 is on the minus strand). VCF-style: chr10-27053375-T-A. GRCh37 (hg19) VCF-style: chr10-27342304-T-A.
Other names: c.1580A>T, p.Glu527Val (NM_001256053.2); short protein forms E527V.
Identifiers: ClinVar variation 2897964 (VCV002897964.3), dbSNP rs377233168, ClinGen allele CA5448479.
Genomic context (GRCh38, chr10:27,053,375, plus strand): 5'-AATACCTGTGGCTGGTTATTTTCACTCCCTTCCCTTTCTTGCTCTTCTTCTGATGCTACT[T>A]CTAAGTCATGTTCAGCTGAAAAAATCCAAATATTTAGTTTAATGAACTACTTAGAACAGT-3'
Protein context (NP_055730.2, residues 517-537): QTSKAAEHDL[Glu527Val]VASEEEQERE